The following is an entry in ClinVar:

NM_153704.6(TMEM67):c.1078A>G (p.Thr360Ala)

Gene: TMEM67 (transmembrane protein 67; plus strand). Cytogenetic location: 8q22.1.
Variant type: single nucleotide variant.
Coding change: c.1078A>G on transcript NM_153704.6 (MANE Select); coding-DNA position 1078, A replaced by G.
Protein change: p.Thr360Ala; replaces threonine 360 with alanine.
Molecular consequence: missense variant. On other transcripts: non-coding transcript variant (1).
Genome position (GRCh38, 1-based): chr8:93,782,407, A>G. VCF-style: chr8-93782407-A-G. GRCh37 (hg19) VCF-style: chr8-94794635-A-G.
Other names: p.Thr360Ala; c.835A>G, p.Thr279Ala (NM_001142301.1); short protein forms T279A, T360A.
Identifiers: ClinVar variation 193945 (VCV000193945.25), dbSNP rs140191346, ClinGen allele CA200867.

ClinVar aggregate classification (germline): Conflicting classifications of pathogenicity. Review status: criteria provided, conflicting classifications (1 of 4 stars). 8 submissions from 8 submitters: Uncertain significance (1); Benign (1); Likely benign (4). 2 of the submissions do not count toward it. Last evaluated 2026-02-02.

Conditions:
TMEM67-related disorder. Also called: TMEM67-related condition; TMEM67-related disorders. Identifiers: MedGen CN239423.
Meckel-Gruber syndrome. Also called: Dysencephalia splachnocystica; DYSENCEPHALIA SPLANCHNOCYSTICA; GRUBER SYNDROME. Identifiers: Orphanet 564, MedGen C0265215, MONDO:0018921.
Joubert syndrome. Also called: Familial aplasia of the vermis; JOUBERT-BOLTSHAUSER SYNDROME. Identifiers: Orphanet 475, MedGen C5979921, MONDO:0018772.
Joubert syndrome 1 (JBTS1). Also called: CEREBELLOPARENCHYMAL DISORDER IV; Cerebellooculorenal syndrome 1. Identifiers: MedGen C4551568, MONDO:0008944, OMIM 213300.

Allele frequency attached by ClinVar (database versions not stated): gnomAD exomes 0.00037; ExAC 0.00042; 1000 Genomes Project 0.00140; 1000 Genomes Project 30x 0.00156; TOPMed 0.00170; gnomAD 0.00174 and 0.00188; ESP Exome Variant Server 0.00215.
gnomAD v4.1: 469 of 1,612,972 alleles (0.029%); highest among the groups gnomAD compares: African/African-American, 0.58%; no homozygotes.

Submissions (8):

Labcorp Genetics (formerly Invitae), Labcorp
Classification: Likely benign for Joubert syndrome; Meckel-Gruber syndrome. Last evaluated: 2026-02-02. Review status: criteria provided, single submitter. Criteria: Invitae Variant Classification Sherloc (09022015). Collection method: clinical testing. Allele origin: germline.

Mayo Clinic Laboratories, Mayo Clinic
Classification: Likely benign. Last evaluated: 2025-08-26. Review status: criteria provided, single submitter. Criteria: ACMG Guidelines, 2015. Collection method: clinical testing. Allele origin: germline. Observed: 3 variant alleles.
Comment: BS1

Blueprint Genetics
Classification: Likely benign. Last evaluated: 2024-08-28. Review status: criteria provided, single submitter. Criteria: ACMG Guidelines, 2015. Collection method: clinical testing. Allele origin: germline.

GeneDx
Classification: Uncertain significance. Last evaluated: 2021-12-08. Review status: criteria provided, single submitter. Criteria: GeneDx Variant Classification Process June 2021. Collection method: clinical testing. Allele origin: germline. Affected: yes.
Comment: Reported in an individual with a ciliopathy who harbored an additional likely benign variant on the opposite TMEM67 allele (Consugar et al., 2015); In silico analysis supports that this missense variant has a deleterious effect on protein structure/function; This variant is associated with the following publications: (PMID: 25412400)

Mendelics
Classification: Benign for Joubert syndrome 1. Last evaluated: 2019-05-28. Review status: criteria provided, single submitter. Criteria: Mendelics Assertion Criteria 2017. Collection method: clinical testing. Allele origin: unknown.

Eurofins Ntd Llc (ga)
Classification: Likely benign. Last evaluated: 2015-05-29. Review status: criteria provided, single submitter. Criteria: EGL Classification Definitions 2015. Collection method: clinical testing. Allele origin: germline.

PreventionGenetics, part of Exact Sciences
Classification: Likely benign for TMEM67-related condition. Last evaluated: 2020-02-17. Review status: no assertion criteria provided. Collection method: clinical testing. Allele origin: germline. Not counted in ClinVar's aggregate classification.
Comment: This variant is classified as likely benign based on ACMG/AMP sequence variant interpretation guidelines (Richards et al. 2015 PMID: 25741868, with internal and published modifications).

Department of Pathology and Laboratory Medicine, Sinai Health System
Classification: Uncertain significance. Review status: no assertion criteria provided. Collection method: clinical testing. Allele origin: unknown. Affected: yes. Study: The Canadian Open Genetics Repository (COGR). Not counted in ClinVar's aggregate classification.
Comment: The TMEM67 p.Thr360Ala variant was not identified in the literature nor was it identified in Cosmic. The variant was identified in dbSNP (ID: rs140191346), ClinVar (classified as likely benign by EGL Genetics) and LOVD 3.0 (classified as a VUS). The variant was also identified in control databases in 147 of 282650 chromosomes at a frequency of 0.00052 increasing the likelihood this could be a low frequency benign variant (Genome Aggregation Database Feb 27, 2017) and was observed in the following populations: African in 142 of 24952 chromosomes (freq: 0.005691), Other in 1 of 7214 chromosomes (freq: 0.000139), South Asian in 2 of 30598 chromosomes (freq: 0.000065) and Latino in 2 of 35432 chromosomes (freq: 0.000056); it was not observed in the Ashkenazi Jewish, East Asian, European (Finnish) and European (non-Finnish) populations. The variant occurs outside of the splicing consensus sequence and in silico or computational prediction software programs (SpliceSiteFinder, MaxEntScan, NNSPLICE, GeneSplicer) do not predict a difference in splicing. The p.Thr360 residue is conserved in mammals and computational analyses (PolyPhen-2, SIFT, AlignGVGD, BLOSUM, MutationTaster) provide inconsistent predictions regarding the impact to the protein; this information is not very predictive of pathogenicity. In summary, based on the above information the clinical significance of this variant cannot be determined with certainty at this time. This variant is classified as a variant of uncertain significance.

Literature cited by the submitters: PubMed 25412400 (cited by Mayo Clinic Laboratories, Mayo Clinic); PubMed 34964473 (cited by Mayo Clinic Laboratories, Mayo Clinic).